The following is an entry in ClinVar:

NM_005228.5(EGFR):c.1949T>C (p.Met650Thr)

Gene: EGFR (epidermal growth factor receptor; plus strand). Cytogenetic location: 7p11.2.
Variant type: single nucleotide variant.
Coding change: c.1949T>C on transcript NM_005228.5 (MANE Select); coding-DNA position 1949, T replaced by C.
Protein change: p.Met650Thr; replaces methionine 650 with threonine.
Molecular consequence: missense variant.
Genome position (GRCh38, 1-based): chr7:55,173,012, T>C. VCF-style: chr7-55173012-T-C. GRCh37 (hg19) VCF-style: chr7-55240705-T-C.
Other names: c.1814T>C, p.Met605Thr (NM_001346897.2, NM_001346899.2); c.1949T>C, p.Met650Thr (NM_001346898.2); c.1790T>C, p.Met597Thr (NM_001346900.2); c.1148T>C, p.Met383Thr (NM_001346941.2); short protein forms M383T, M597T, M605T, M650T.
Identifiers: ClinVar variation 1716492 (VCV001716492.6), dbSNP rs2535628956, ClinGen allele CA367582945.

ClinVar aggregate classification (germline): Uncertain significance (1 of 4 stars; one submission).

Conditions:
EGFR-related lung cancer (EGFR). Identifiers: MedGen CN130014.

Submission:

Labcorp Genetics (formerly Invitae), Labcorp
Classification: Uncertain significance for EGFR-related lung cancer. Last evaluated: 2022-10-30. Review status: criteria provided, single submitter. Criteria: Invitae Variant Classification Sherloc (09022015). Collection method: clinical testing. Allele origin: germline.
Comment: This sequence change replaces methionine, which is neutral and non-polar, with threonine, which is neutral and polar, at codon 650 of the EGFR protein (p.Met650Thr). This variant is not present in population databases (gnomAD no frequency). This variant has not been reported in the literature in individuals affected with EGFR-related conditions. Advanced modeling of protein sequence and biophysical properties (such as structural, functional, and spatial information, amino acid conservation, physicochemical variation, residue mobility, and thermodynamic stability) performed at Invitae indicates that this missense variant is not expected to disrupt EGFR protein function. In summary, the available evidence is currently insufficient to determine the role of this variant in disease. Therefore, it has been classified as a Variant of Uncertain Significance.